The following is an entry in ClinVar:

NM_015665.6(AAAS):c.1284CCT[1] (p.Leu430del)

Gene: AAAS (aladin WD repeat nucleoporin; minus strand). Cytogenetic location: 12q13.13.
Variant type: Microsatellite.
Coding change: c.1284CCT[1] on transcript NM_015665.6 (MANE Select); one copy of the 3-base unit CCT starting at c.1284; the reference has two copies in a row; one copy, 3 bases deleted; also written c.1287_1289del.
Protein change: p.Leu430del; deletes leucine 430.
Molecular consequence: inframe deletion.
Genome position (GRCh38, 1-based): chr12:53,308,094-53,308,096, AGG deleted on the plus strand (CCT on the coding strand, the reverse complement: AAAS is on the minus strand); deleting any 3 consecutive bases within chr12:53,308,094-53,308,100 gives the same sequence; the position shown is the placement nearest the transcript's 3' end. VCF-style (leftmost placement, unchanged base first): chr12-53308093-AAGG-A. GRCh37 (hg19) VCF-style: chr12-53701877-AAGG-A.
Other names: p.Leu430del; c.1287_1289del (NM_015665.6); c.1185CCT[1], p.Leu397del (NM_001173466.2); short protein forms L397del, L430del.
Identifiers: ClinVar variation 4541717 (VCV004541717.1).

ClinVar aggregate classification (germline): Uncertain significance (1 of 4 stars; one submission).

Submission:

Mayo Clinic Laboratories, Mayo Clinic
Classification: Uncertain significance. Last evaluated: 2025-01-05. Review status: criteria provided, single submitter. Criteria: ACMG Guidelines, 2015. Collection method: clinical testing. Allele origin: germline. Observed: 1 variant allele.
Comment: PM2_supporting